The following is an entry in ClinVar:

NM_000059.4(BRCA2):c.6012A>G (p.Glu2004=)

Gene: BRCA2 (BRCA2 DNA repair associated; plus strand). Cytogenetic location: 13q13.1.
Variant type: single nucleotide variant.
Coding change: c.6012A>G on transcript NM_000059.4 (MANE Select); coding-DNA position 6012, A replaced by G.
Protein change: p.Glu2004=; no amino-acid change (glutamic acid 2004 retained).
Molecular consequence: synonymous variant.
Genome position (GRCh38, 1-based): chr13:32,340,367, A>G. VCF-style: chr13-32340367-A-G. GRCh37 (hg19) VCF-style: chr13-32914504-A-G.
Identifiers: ClinVar variation 184354 (VCV000184354.58), dbSNP rs572976024, ClinGen allele CA023513.

ClinVar aggregate classification (germline): Likely benign. Review status: reviewed by expert panel (3 of 4 stars). 8 submissions from 8 submitters: Likely benign (1). 7 of the submissions do not count toward it. Last evaluated 2017-06-29.

Conditions:
Hereditary cancer-predisposing syndrome. Also called: Tumor predisposition; Neoplastic Syndromes, Hereditary; Hereditary Cancer Syndrome; Hereditary neoplastic syndrome. Identifiers: Orphanet 140162, MedGen C0027672, MeSH D009386, MONDO:0015356.
Hereditary breast ovarian cancer syndrome. Also called: Hereditary breast and ovarian cancer; Hereditary breast and ovarian cancer syndrome (HBOC); Breast and ovarian cancer; Hereditary breast and/or ovarian cancer syndrome; BRCA1- and BRCA2-Associated Hereditary Breast and Ovarian Cancer; Hereditary breast and ovarian cancer syndrome. Identifiers: Orphanet 145, MedGen C0677776, MeSH D061325, MONDO:0003582. Disease mechanism: loss of function.
Breast-ovarian cancer, familial, susceptibility to, 2 (BROVCA2). Also called: BRCA2 Hereditary Breast and Ovarian Cancer. Identifiers: Orphanet 145, MedGen C2675520, MONDO:0012933, OMIM 612555. Disease mechanism: loss of function.

Allele frequency attached by ClinVar (database versions not stated): gnomAD exomes below 0.00001 and 0.00001; TOPMed below 0.00001; ExAC 0.00001; gnomAD 0.00001 and 0.00002; 1000 Genomes Project 30x 0.00016; 1000 Genomes Project 0.00020.
gnomAD v4.1: 5 of 1,613,986 alleles (0.00031%); highest among the groups gnomAD compares: South Asian, 0.0033%; no homozygotes.

Submissions (8):

Evidence-based Network for the Interpretation of Germline Mutant Alleles (ENIGMA)
Classification: Likely benign for Breast-ovarian cancer, familial, susceptibility to, 2. Last evaluated: 2017-06-29. Review status: reviewed by expert panel. Criteria: ENIGMA BRCA1/2 Classification Criteria (2017-06-29). Collection method: curation. Allele origin: germline.
Comment: Synonymous substitution variant, with low bioinformatic likelihood to result in a splicing aberration (Splicing prior probability 0.02).

Labcorp Genetics (formerly Invitae), Labcorp
Classification: Likely benign for Hereditary breast ovarian cancer syndrome. Last evaluated: 2025-08-24. Review status: criteria provided, single submitter. Criteria: Invitae Variant Classification Sherloc (09022015). Collection method: clinical testing. Allele origin: germline. Not counted in ClinVar's aggregate classification.

Blueprint Genetics
Classification: Likely benign. Last evaluated: 2020-12-17. Review status: criteria provided, single submitter. Criteria: ACMG Guidelines, 2015. Collection method: clinical testing. Allele origin: germline. Not counted in ClinVar's aggregate classification.

CeGaT Center for Human Genetics Tuebingen
Classification: Likely benign. Last evaluated: 2020-11-01. Review status: criteria provided, single submitter. Criteria: CeGaT Center For Human Genetics Tuebingen Variant Classification Criteria Version 2. Collection method: clinical testing. Allele origin: germline. Affected: yes. Observed: 1 variant allele. Not counted in ClinVar's aggregate classification.

Women's Health and Genetics/Laboratory Corporation of America, LabCorp
Classification: Likely benign. Last evaluated: 2019-08-21. Review status: criteria provided, single submitter. Criteria: LabCorp Variant Classification Summary - May 2015. Collection method: clinical testing. Allele origin: germline. Not counted in ClinVar's aggregate classification.

Color Diagnostics, LLC DBA Color Health
Classification: Likely benign for Hereditary cancer-predisposing syndrome. Last evaluated: 2017-05-12. Review status: criteria provided, single submitter. Criteria: ACMG Guidelines, 2015. Collection method: clinical testing. Allele origin: germline. Not counted in ClinVar's aggregate classification.

GeneDx
Classification: Likely benign. Last evaluated: 2016-12-19. Review status: criteria provided, single submitter. Criteria: GeneDx Variant Classification (06012015). Collection method: clinical testing. Allele origin: germline. Affected: yes. Not counted in ClinVar's aggregate classification.
Comment: This variant is considered likely benign or benign based on one or more of the following criteria: it is a conservative change, it occurs at a poorly conserved position in the protein, it is predicted to be benign by multiple in silico algorithms, and/or has population frequency not consistent with disease.

Ambry Genetics
Classification: Likely benign for Hereditary cancer-predisposing syndrome. Last evaluated: 2015-09-22. Review status: criteria provided, single submitter. Criteria: Ambry Variant Classification Scheme 2023. Collection method: clinical testing. Allele origin: germline. Not counted in ClinVar's aggregate classification.